The following is an entry in ClinVar:

ClinVar aggregate classification (germline): Uncertain significance (1 of 4 stars; one submission).

Submission:

Labcorp Genetics (formerly Invitae), Labcorp
Classification: Uncertain significance. Last evaluated: 2022-08-23. Review status: criteria provided, single submitter. Criteria: Invitae Variant Classification Sherloc (09022015). Collection method: clinical testing. Allele origin: germline.
Comment: This sequence change replaces cysteine, which is neutral and slightly polar, with tyrosine, which is neutral and polar, at codon 115 of the CEP78 protein (p.Cys115Tyr). In summary, the available evidence is currently insufficient to determine the role of this variant in disease. Therefore, it has been classified as a Variant of Uncertain Significance. Algorithms developed to predict the effect of missense changes on protein structure and function are either unavailable or do not agree on the potential impact of this missense change (SIFT: "Deleterious"; PolyPhen-2: "Probably Damaging"; Align-GVGD: "Class C0"). This variant has not been reported in the literature in individuals affected with CEP78-related conditions. This variant is not present in population databases (gnomAD no frequency).

NM_001330691.3(CEP78):c.344G>A (p.Cys115Tyr)

Gene: CEP78 (centrosomal protein 78; plus strand). Cytogenetic location: 9q21.2.
Variant type: single nucleotide variant.
Coding change: c.344G>A on transcript NM_001330691.3 (MANE Select); coding-DNA position 344, G replaced by A.
Protein change: p.Cys115Tyr; replaces cysteine 115 with tyrosine.
Molecular consequence: missense variant.
Genome position (GRCh38, 1-based): chr9:78,240,113, G>A. VCF-style: chr9-78240113-G-A. GRCh37 (hg19) VCF-style: chr9-80855029-G-A.
Other names: c.344G>A, p.Cys115Tyr (NM_001098802.3, NM_001330693.3, NM_001330694.2 and 4 more transcripts); short protein forms C115Y.
Identifiers: ClinVar variation 2048827 (VCV002048827.4), dbSNP rs2489814275, ClinGen allele CA373999783.